The following is an entry in ClinVar:

NM_130839.5(UBE3A):c.290C>G (p.Ser97Trp)

Genes: SNHG14 (small nucleolar RNA host gene 14; plus strand), UBE3A (ubiquitin protein ligase E3A; minus strand). Cytogenetic location: 15q11.2.
Variant type: single nucleotide variant.
Coding change: c.290C>G on transcript NM_130839.5 (MANE Select); coding-DNA position 290, C replaced by G.
Protein change: p.Ser97Trp; replaces serine 97 with tryptophan.
Molecular consequence: missense variant. On other transcripts: non-coding transcript variant (1).
Genome position (GRCh38, 1-based): chr15:25,375,536, G>C on the plus strand (C>G on the coding strand, the complement: UBE3A is on the minus strand). VCF-style: chr15-25375536-G-C. GRCh37 (hg19) VCF-style: chr15-25620683-G-C.
Other names: c.299C>G, p.Ser100Trp (NM_000462.5); c.290C>G, p.Ser97Trp (NM_001354505.1, NM_001354538.2, NM_001354545.2 and 1 more transcripts); c.230C>G, p.Ser77Trp (NM_001354506.2, NM_001354507.2, NM_001354508.2 and 18 more transcripts); c.113C>G, p.Ser38Trp (NM_001354546.2); short protein forms S97W, S38W, S100W, S77W.
Identifiers: ClinVar variation 1391868 (VCV001391868.6), dbSNP rs772110423, ClinGen allele CA391356203.

ClinVar aggregate classification (germline): Uncertain significance (1 of 4 stars; one submission).

Conditions:
Angelman syndrome (AS). Also called: HAPPY PUPPET SYNDROME. Identifiers: Orphanet 72, MedGen C0162635, MONDO:0007113, OMIM 105830. Disease mechanism: loss of function. Inheritance: AS is caused by disruption of maternally imprinted UBE3A located within the 15q11.2-q13 Angelman syndrome/Prader-Willi syndrome (AS/PWS) region., imprinting disorder.

Submission:

Labcorp Genetics (formerly Invitae), Labcorp
Classification: Uncertain significance for Angelman syndrome. Last evaluated: 2021-04-29. Review status: criteria provided, single submitter. Criteria: Invitae Variant Classification Sherloc (09022015). Collection method: clinical testing. Allele origin: germline.
Comment: In summary, the available evidence is currently insufficient to determine the role of this variant in disease. Therefore, it has been classified as a Variant of Uncertain Significance. Algorithms developed to predict the effect of missense changes on protein structure and function are either unavailable or do not agree on the potential impact of this missense change (SIFT: "Not Available"; PolyPhen-2: "Possibly Damaging"; Align-GVGD: "Not Available"). This variant has not been reported in the literature in individuals with UBE3A-related conditions. This variant is not present in population databases (ExAC no frequency). This sequence change replaces serine with tryptophan at codon 77 of the UBE3A protein (p.Ser77Trp). The serine residue is moderately conserved and there is a large physicochemical difference between serine and tryptophan.